The following is an entry in ClinVar:

ClinVar aggregate classification (germline): Uncertain significance. Review status: criteria provided, multiple submitters, no conflicts (2 of 4 stars). 5 submissions from 5 submitters: Uncertain significance (5). Last evaluated 2026-05-26.

Conditions:
Cardiovascular phenotype. Identifiers: MedGen CN230736.
Alstrom syndrome (ALMS). Identifiers: Orphanet 64, MedGen C0268425, MONDO:0008763, OMIM 203800.

Allele frequency attached by ClinVar (database versions not stated): ESP Exome Variant Server 0.00025.
gnomAD v4.1: 115 of 1,612,836 alleles (0.0071%); highest among the groups gnomAD compares: Non-Finnish European, 0.0092%; no homozygotes.

Submissions (5):

GeneDx
Classification: Uncertain significance. Last evaluated: 2026-05-26. Review status: criteria provided, single submitter. Criteria: GeneDx Variant Classification Process June 2021. Collection method: clinical testing. Allele origin: germline.
Comment: Not observed at significant frequency in large population cohorts (gnomAD); In silico analysis suggests that this missense variant does not alter protein structure/function; Has not been previously published as pathogenic or benign to our knowledge

Labcorp Genetics (formerly Invitae), Labcorp
Classification: Uncertain significance for Alstrom syndrome. Last evaluated: 2024-12-02. Review status: criteria provided, single submitter. Criteria: Invitae Variant Classification Sherloc (09022015). Collection method: clinical testing. Allele origin: germline.
Comment: This sequence change replaces alanine, which is neutral and non-polar, with threonine, which is neutral and polar, at codon 2504 of the ALMS1 protein (p.Ala2504Thr). This variant is present in population databases (rs202060439, gnomAD 0.01%). This variant has not been reported in the literature in individuals affected with ALMS1-related conditions. ClinVar contains an entry for this variant (Variation ID: 1467000). Experimental studies and prediction algorithms are not available or were not evaluated, and the functional significance of this variant is currently unknown. In summary, the available evidence is currently insufficient to determine the role of this variant in disease. Therefore, it has been classified as a Variant of Uncertain Significance.

Blueprint Genetics
Classification: Uncertain significance. Last evaluated: 2024-09-02. Review status: criteria provided, single submitter. Criteria: ACMG Guidelines, 2015. Collection method: clinical testing. Allele origin: germline.

Ambry Genetics
Classification: Uncertain significance for Cardiovascular phenotype. Last evaluated: 2023-09-06. Review status: criteria provided, single submitter. Criteria: Ambry Variant Classification Scheme 2023. Collection method: clinical testing. Allele origin: germline.
Comment: The p.A2504T variant (also known as c.7510G>A), located in coding exon 8 of the ALMS1 gene, results from a G to A substitution at nucleotide position 7510. The alanine at codon 2504 is replaced by threonine, an amino acid with similar properties. This variant (described as p.A2502T, c.7506G>A) was reported as heterozygous in one healthy control from an Alstrom syndrome cohort (Zmyslowska A et al. Clin Genet, 2016 Apr;89:448-453). This amino acid position is highly conserved in available vertebrate species. In addition, this alteration is predicted to be tolerated by in silico analysis. Since supporting evidence is limited at this time, the clinical significance of this alteration remains unclear.

Fulgent Genetics
Classification: Uncertain significance for Alstrom syndrome. Last evaluated: 2021-09-25. Review status: criteria provided, single submitter. Criteria: ACMG Guidelines, 2015. Collection method: clinical testing. Allele origin: unknown.

Literature cited by the submitters: PubMed 26283575 (cited by Ambry Genetics).

NM_001378454.1(ALMS1):c.7507G>A (p.Ala2503Thr)

Gene: ALMS1 (ALMS1 centrosome and basal body associated protein; plus strand). Cytogenetic location: 2p13.1.
Variant type: single nucleotide variant.
Coding change: c.7507G>A on transcript NM_001378454.1 (MANE Select); coding-DNA position 7507, G replaced by A.
Protein change: p.Ala2503Thr; replaces alanine 2503 with threonine.
Molecular consequence: missense variant.
Genome position (GRCh38, 1-based): chr2:73,454,034, G>A. VCF-style: chr2-73454034-G-A. GRCh37 (hg19) VCF-style: chr2-73681161-G-A.
Other names: c.7510G>A, p.Ala2504Thr (NM_015120.4); short protein forms A2504T, A2503T.
Identifiers: ClinVar variation 1467000 (VCV001467000.9), dbSNP rs202060439, ClinGen allele CA1714244.